The following is an entry in ClinVar:

NM_001349884.2(DRAM2):c.5GGT[1] (p.Trp3del)

Gene: DRAM2 (DNA damage regulated autophagy modulator 2; minus strand). Cytogenetic location: 1p13.3.
Variant type: Microsatellite.
Coding change: c.5GGT[1] on transcript NM_001349884.2 (MANE Select); one copy of the 3-base unit GGT starting at c.5; the reference has two copies in a row; one copy, 3 bases deleted; also written c.8_10del.
Protein change: p.Trp3del; deletes tryptophan 3.
Molecular consequence: inframe deletion, initiator codon variant. On other transcripts: 5 prime UTR variant (8), non-coding transcript variant (8).
Genome position (GRCh38, 1-based): chr1:111,131,545-111,131,547, ACC deleted on the plus strand (GGT on the coding strand, the reverse complement: DRAM2 is on the minus strand); deleting any 3 consecutive bases within chr1:111,131,545-111,131,552 gives the same sequence; the position shown is the placement nearest the transcript's 3' end. VCF-style (leftmost placement, unchanged base first): chr1-111131544-AACC-A. GRCh37 (hg19) VCF-style: chr1-111674166-AACC-A.
Other names: c.5GGT[1], p.Trp3del (NM_001349881.2, NM_001349882.2, NM_001349885.2 and 1 more transcripts); c.-154GGT[1] (NM_001349886.2, NM_001349887.2, NM_001349888.2); c.-246GGT[1] (NM_001349889.2, NM_001349890.2, NM_001349892.2 and 1 more transcripts); c.-414GGT[1] (NM_001349891.2); c.8_10del (NM_001349884.2); c.8_10delGGT (NM_178454.4); short protein forms W3del.
Identifiers: ClinVar variation 943340 (VCV000943340.14), dbSNP rs770539997, ClinGen allele CA1001965.

ClinVar aggregate classification (germline): Uncertain significance. Review status: criteria provided, multiple submitters, no conflicts (2 of 4 stars). 5 submissions from 5 submitters: Uncertain significance (5). Last evaluated 2026-03-01.

Conditions:
Cone-rod dystrophy 21. Also called: Retinal dystrophy with early macular involvement. Identifiers: Orphanet 1872, MedGen C4049066, MONDO:0014669, OMIM 616502, HP:0030635.
DRAM2-related disorder. Also called: DRAM2-related condition.

Submissions (5):

PreventionGenetics, part of Exact Sciences
Classification: Uncertain significance for DRAM2-related condition. Last evaluated: 2026-03-01. Review status: criteria provided, single submitter. Criteria: ACMG Guidelines, 2015. Collection method: clinical testing. Allele origin: germline.
Comment: The DRAM2 c.8_10delGGT variant is predicted to result in an in-frame deletion (p.Trp3del). This variant was reported in the homozygous state in an individual with retinal dystrophy (Kuniyoshi et al. 2020. PubMed ID: 32079136) and was also described in a large cohort of individuals with retinal disease (supplementary data, Suga et al. 2022. PubMed ID: 36284460). This variant is reported in 0.025% of alleles in individuals of East Asian descent in gnomAD. At this time, the clinical significance of this variant is uncertain due to the absence of conclusive functional and genetic evidence.

CeGaT Center for Human Genetics Tuebingen
Classification: Uncertain significance. Last evaluated: 2025-10-01. Review status: criteria provided, single submitter. Criteria: CeGaT Center For Human Genetics Tuebingen Variant Classification Criteria Version 2. Collection method: clinical testing. Allele origin: germline. Affected: yes. Observed: 1 variant allele.
Comment: DRAM2: PM4:Supporting

Blueprint Genetics
Classification: Uncertain significance. Last evaluated: 2024-09-23. Review status: criteria provided, single submitter. Criteria: ACMG Guidelines, 2015. Collection method: clinical testing. Allele origin: germline.

3billion
Classification: Uncertain significance for Cone-rod dystrophy 21. Last evaluated: 2023-08-25. Review status: criteria provided, single submitter. Criteria: ACMG Guidelines, 2015. Collection method: clinical testing. Allele origin: germline. Affected: yes.
Comment: The variant is observed at an extremely low frequency in the gnomAD v2.1.1 dataset (total allele frequency: 0.012%). Predicted Consequence/Location: Inframe deletion located in a nonrepeat region: predicted to change the length of the protein and disrupt normal protein function. The variant has been reported to be associated with DRAM2 related disorder (PMID: 32079136). However, the evidence of pathogenicity is insufficient at this time. Therefore, this variant is classified as VUS according to the recommendation of ACMG/AMP guideline.

Labcorp Genetics (formerly Invitae), Labcorp
Classification: Uncertain significance. Last evaluated: 2022-08-23. Review status: criteria provided, single submitter. Criteria: Invitae Variant Classification Sherloc (09022015). Collection method: clinical testing. Allele origin: germline.
Comment: This variant, c.8_10del, results in the deletion of 1 amino acid(s) of the DRAM2 protein (p.Trp3del), but otherwise preserves the integrity of the reading frame. This variant is present in population databases (rs770539997, gnomAD 0.03%). This variant has not been reported in the literature in individuals affected with DRAM2-related conditions. ClinVar contains an entry for this variant (Variation ID: 943340). Experimental studies and prediction algorithms are not available or were not evaluated, and the functional significance of this variant is currently unknown. In summary, the available evidence is currently insufficient to determine the role of this variant in disease. Therefore, it has been classified as a Variant of Uncertain Significance.

Literature cited by the submitters: PubMed 32079136 (cited by 3billion).